The following is an entry in ClinVar:

NM_003870.4(IQGAP1):c.424C>T (p.Arg142Ter)

Gene: IQGAP1 (IQ motif containing GTPase activating protein 1; plus strand). Cytogenetic location: 15q26.1.
Variant type: single nucleotide variant.
Coding change: c.424C>T on transcript NM_003870.4 (MANE Select); coding-DNA position 424, C replaced by T.
Protein change: p.Arg142Ter; replaces arginine 142 with a stop codon.
Molecular consequence: nonsense.
Genome position (GRCh38, 1-based): chr15:90,433,752, C>T. VCF-style: chr15-90433752-C-T. GRCh37 (hg19) VCF-style: chr15-90976984-C-T.
Other names: c.424C>T (NM_003870.3); short protein forms R142*.
Identifiers: ClinVar variation 4926624 (VCV004926624.2).
Genomic context (GRCh38, chr15:90,433,752, plus strand): 5'-TACTCTGTTTCTTTTATTTCTCCCTAGATTTTTTACCCAGAAACTACAGATATCTATGAT[C>T]GAAAGAACATGCCAAGATGTATCTACTGTATCCATGCACTCAGGTAGTCAAATTTTCTTG-3'

ClinVar aggregate classification (germline): Uncertain significance. Review status: criteria provided, multiple submitters, no conflicts (2 of 4 stars). 2 submissions from 2 submitters: Uncertain significance (2). Last evaluated 2024-11-13.

Conditions:
IQGAP1-related disorder. Also called: IQGAP1-related condition.

gnomAD v4.1: 3 of 1,606,992 alleles (0.00019%); highest among the groups gnomAD compares: East Asian, 0.0022%; no homozygotes.

Submissions (2):

PreventionGenetics, part of Exact Sciences
Classification: Uncertain significance for IQGAP1-related condition. Last evaluated: 2024-11-13. Review status: criteria provided, single submitter. Criteria: ACMG Guidelines, 2015. Collection method: clinical testing. Allele origin: germline.
Comment: The IQGAP1 c.424C>T variant is predicted to result in premature protein termination (p.Arg142*). To our knowledge, this variant has not been reported in the literature or in a large population database (gnomAD), indicating this variant is rare. Although we suspect that this variant may be pathogenic, at this time, the clinical significance of this variant is uncertain due to the absence of conclusive functional and genetic evidence.

Blueprint Genetics
Classification: Uncertain significance. Last evaluated: 2022-12-30. Review status: criteria provided, single submitter. Criteria: ACMG Guidelines, 2015. Collection method: clinical testing. Allele origin: germline.